The following is an entry in ClinVar:

ClinVar aggregate classification (germline): Likely pathogenic (1 of 4 stars; one submission).

Conditions:
Hereditary diffuse gastric adenocarcinoma (HDGC). Also called: DIFFUSE GASTRIC AND LOBULAR BREAST CANCER SYNDROME. Identifiers: Orphanet 26106, MedGen C1708349, MONDO:0007648, OMIM 137215.

Submission:

Myriad Genetics, Inc.
Classification: Likely pathogenic for Hereditary diffuse gastric adenocarcinoma. Last evaluated: 2026-07-30. Review status: criteria provided, single submitter. Criteria: Myriad Autosomal Dominant, Autosomal Recessive and X-Linked Classification Criteria (2023). Collection method: clinical testing. Allele origin: unknown.
Comment: This variant is considered likely pathogenic. This variant occurs within a consensus splice junction and is predicted to result in abnormal mRNA splicing of either an out-of-frame exon or an in-frame exon necessary for protein stability and/or normal function.

NM_001903.5(CTNNA1):c.105+1G>A

Gene: CTNNA1 (catenin alpha 1; plus strand). Cytogenetic location: 5q31.2.
Variant type: single nucleotide variant.
Coding change: c.105+1G>A on transcript NM_001903.5 (MANE Select); the canonical splice donor site of the intron after coding-DNA position 105, G replaced by A.
Molecular consequence: splice donor variant.
Genome position (GRCh38, 1-based): chr5:138,782,030, G>A. VCF-style: chr5-138782030-G-A. GRCh37 (hg19) VCF-style: chr5-138117719-G-A.
Other names: c.105+1G>A (NM_001323982.2, NM_001323984.2, NM_001290307.3 and 3 more transcripts); c.-102+1G>A (NM_001290310.3); c.-9+1G>A (NM_001290309.3).
Identifiers: ClinVar variation 5042228 (VCV005042228.1).